The following is an entry in ClinVar:

ClinVar aggregate classification (germline): Uncertain significance (1 of 4 stars; one submission).

Conditions:
Mucopolysaccharidosis type 6 (MPS6). Also called: N-ACETYLGALACTOSAMINE-4-SULFATASE DEFICIENCY; MPS VI; MPS 6; Maroteaux Lamy syndrome; ARSB DEFICIENCY; ARYLSULFATASE B DEFICIENCY. Identifiers: Orphanet 583, MedGen C0026709, MONDO:0009661, OMIM 253200.

Submission:

Laboratory of Diagnosis and Therapy of Lysosomal Disorders, University of Padova
Classification: Uncertain significance for Mucopolysaccharidosis type 6. Last evaluated: 2018-01-01. Review status: criteria provided, single submitter. Criteria: ACMG Guidelines, 2015. Collection method: curation. Allele origin: germline. Affected: yes.
Comment: Absent from GnomAD (PM2)

Literature cited by the submitters: PubMed 17458871; PubMed 30118150.

NM_000046.5(ARSB):c.1315A>G (p.Lys439Glu)

Gene: ARSB (arylsulfatase B; minus strand). Cytogenetic location: 5q14.1.
Variant type: single nucleotide variant.
Coding change: c.1315A>G on transcript NM_000046.5 (MANE Select); coding-DNA position 1315, A replaced by G.
Protein change: p.Lys439Glu; replaces lysine 439 with glutamic acid.
Molecular consequence: missense variant.
Genome position (GRCh38, 1-based): chr5:78,781,873, T>C on the plus strand (A>G on the coding strand, the complement: ARSB is on the minus strand). VCF-style: chr5-78781873-T-C. GRCh37 (hg19) VCF-style: chr5-78077696-T-C.
Other names: short protein forms K439E.
Identifiers: ClinVar variation 559700 (VCV000559700.1), dbSNP rs1554069778, ClinGen allele CA360339799.
Genomic context (GRCh38, chr5:78,781,873, plus strand): 5'-TACCACGGGAAGGGAAGTTTGCTAAGCTAAGGACTCTACCTGGGTAGCCCGTGAGGAGTT[T>C]CCAATTTCCATGTCTAATTGCAGCATGGACAGATGTGTTAAAGGCTGAATATTCTGGAAG-3'
Protein context (NP_000037.2, residues 429-449): VHAAIRHGNW[Lys439Glu]LLTGYPGCGY